The following is an entry in ClinVar:

ClinVar aggregate classification (germline): Uncertain significance (1 of 4 stars; one submission).

gnomAD v4.1: 14 of 1,614,036 alleles (0.00087%); highest among the groups gnomAD compares: South Asian, 0.0099%; no homozygotes.

Submission:

Labcorp Genetics (formerly Invitae), Labcorp
Classification: Uncertain significance. Last evaluated: 2025-05-23. Review status: criteria provided, single submitter. Criteria: Invitae Variant Classification Sherloc (09022015). Collection method: clinical testing. Allele origin: germline.
Comment: This sequence change replaces isoleucine, which is neutral and non-polar, with serine, which is neutral and polar, at codon 273 of the SLC36A2 protein (p.Ile273Ser). This variant is present in population databases (rs759189877, gnomAD 0.02%). This variant has not been reported in the literature in individuals affected with SLC36A2-related conditions. Invitae Evidence Modeling of protein sequence and biophysical properties (such as structural, functional, and spatial information, amino acid conservation, physicochemical variation, residue mobility, and thermodynamic stability) indicates that this missense variant is not expected to disrupt SLC36A2 protein function with a negative predictive value of 80%. In summary, the available evidence is currently insufficient to determine the role of this variant in disease. Therefore, it has been classified as a Variant of Uncertain Significance.

NM_181776.3(SLC36A2):c.818T>G (p.Ile273Ser)

Gene: SLC36A2 (solute carrier family 36 member 2; minus strand). Cytogenetic location: 5q33.1.
Variant type: single nucleotide variant.
Coding change: c.818T>G on transcript NM_181776.3 (MANE Select); coding-DNA position 818, T replaced by G.
Protein change: p.Ile273Ser; replaces isoleucine 273 with serine.
Molecular consequence: missense variant.
Genome position (GRCh38, 1-based): chr5:151,333,249, A>C on the plus strand (T>G on the coding strand, the complement: SLC36A2 is on the minus strand). VCF-style: chr5-151333249-A-C. GRCh37 (hg19) VCF-style: chr5-150712810-A-C.
Other names: short protein forms I273S.
Identifiers: ClinVar variation 4807847 (VCV004807847.1).